The following is an entry in ClinVar:

NM_000166.6(GJB1):c.622G>A (p.Glu208Lys)

Gene: GJB1 (gap junction protein beta 1; plus strand). Cytogenetic location: Xq13.1.
Variant type: single nucleotide variant.
Coding change: c.622G>A on transcript NM_000166.6 (MANE Select); coding-DNA position 622, G replaced by A.
Protein change: p.Glu208Lys; replaces glutamic acid 208 with lysine.
Molecular consequence: missense variant.
Genome position (GRCh38, 1-based): chrX:71,224,329, G>A. VCF-style: chrX-71224329-G-A. GRCh37 (hg19) VCF-style: chrX-70444179-G-A.
Other names: c.622G>A, p.Glu208Lys (NM_001097642.3); short protein forms E208K.
Identifiers: ClinVar variation 447439 (VCV000447439.50), dbSNP rs1555937270, ClinGen allele CA413503325.

ClinVar aggregate classification (germline): Pathogenic. Review status: criteria provided, multiple submitters, no conflicts (2 of 4 stars). 6 submissions from 6 submitters: Pathogenic (5). 1 of the submissions does not count toward it. Last evaluated 2026-01-28.

Conditions:
Charcot-Marie-Tooth disease. Also called: Charcot-Marie-Tooth Neuropathy; Charcot-Marie-Tooth Hereditary Neuropathy. Identifiers: Orphanet 166, MedGen C0007959, MONDO:0015626.
Inborn genetic diseases. Identifiers: MedGen C0950123, MeSH D030342.
Charcot-Marie-Tooth Neuropathy X. Identifiers: MedGen CN118851.

Allele frequency attached by ClinVar (database versions not stated): gnomAD exomes below 0.00001.
gnomAD v4.1: 1 of 1,208,917 alleles (0.000083%); highest among the groups gnomAD compares: Non-Finnish European, 0.00011%; no homozygotes.

Submissions (6):

Labcorp Genetics (formerly Invitae), Labcorp
Classification: Pathogenic for Charcot-Marie-Tooth Neuropathy X. Last evaluated: 2026-01-28. Review status: criteria provided, single submitter. Criteria: Invitae Variant Classification Sherloc (09022015). Collection method: clinical testing. Allele origin: germline.
Comment: This sequence change replaces glutamic acid, which is acidic and polar, with lysine, which is basic and polar, at codon 208 of the GJB1 protein (p.Glu208Lys). This variant is not present in population databases (gnomAD no frequency). This missense change has been observed in individuals with X-linked Charcot-Marie-Tooth disease (CMT) (PMID: 8162049, 10737979, 14960772, 17646144, 25429913, 28448691). It has also been observed to segregate with disease in related individuals. ClinVar contains an entry for this variant (Variation ID: 447439). Invitae Evidence Modeling of protein sequence and biophysical properties (such as structural, functional, and spatial information, amino acid conservation, physicochemical variation, residue mobility, and thermodynamic stability) indicates that this missense variant is expected to disrupt GJB1 protein function with a positive predictive value of 95%. Experimental studies have shown that this missense change affects GJB1 function (PMID: 9364054, 9592087, 10848620, 15006706). This variant disrupts the p.Glu208 amino acid residue in GJB1. Other variant(s) that disrupt this residue have been determined to be pathogenic (PMID: 14960772). This suggests that this residue is clinically significant, and that variants that disrupt this residue are likely to be disease-causing. For these reasons, this variant has been classified as Pathogenic.

GeneDx
Classification: Pathogenic. Last evaluated: 2023-01-23. Review status: criteria provided, single submitter. Criteria: GeneDx Variant Classification Process June 2021. Collection method: clinical testing. Allele origin: germline. Affected: yes.
Comment: Published functional studies demonstrate the variant results in impaired intracelluar trafficking of the protein to the plasma membrane (Deschenes et al., 1997; Wang et al., 2004); Not observed in large population cohorts (gnomAD); Missense variants in this gene are often considered pathogenic (HGMD); In silico analysis supports that this missense variant has a deleterious effect on protein structure/function; This variant is associated with the following publications: (PMID: 31372974, 32047472, 9592087, 9364054, 10848620, 17646144, 26454100, 15006706, 29629536, 27549087, 8162049, 14960772)

Ambry Genetics
Classification: Pathogenic for Inborn genetic diseases. Last evaluated: 2020-11-10. Review status: criteria provided, single submitter. Criteria: Ambry Variant Classification Scheme 2023. Collection method: clinical testing. Allele origin: germline.
Comment: The p.E208K pathogenic mutation (also known as c.622G>A), located in coding exon 1 of the GJB1 gene, results from a G to A substitution at nucleotide position 622. The glutamic acid at codon 208 is replaced by lysine, an amino acid with similar properties. This alteration has been detected in individuals with Charcot-Marie-Tooth neuropathy and has been reported to segregate with disease in families (Fairweather N et al. Hum Mol Genet, 1994 Jan;3:29-34; Feng SY et al. J Clin Neurol, 2018 Apr;14:261-263). Additionally, studies have shown that this alteration affects the function of the GJB1 protein (Desch&ecirc;nes SM et al. J Neurosci, 1997 Dec;17:9077-84; Ressot C et al. J Neurosci, 1998 Jun;18:4063-75; VanSlyke JK et al. Mol Biol Cell, 2000 Jun;11:1933-46; Wang HL et al. Neurobiol Dis, 2004 Mar;15:361-70). Based on the supporting evidence, this alteration is interpreted as a disease-causing mutation.

CeGaT Center for Human Genetics Tuebingen
Classification: Pathogenic. Last evaluated: 2020-10-01. Review status: criteria provided, single submitter. Criteria: CeGaT Center For Human Genetics Tuebingen Variant Classification Criteria Version 2. Collection method: clinical testing. Allele origin: germline. Affected: yes. Observed: 1 variant allele.

Athena Diagnostics
Classification: Pathogenic. Last evaluated: 2017-01-30. Review status: criteria provided, single submitter. Criteria: Athena Diagnostics Criteria. Collection method: clinical testing. Allele origin: germline.

Inherited Neuropathy Consortium
Classification: Uncertain significance for Charcot-Marie-Tooth disease. Review status: no assertion criteria provided. Collection method: literature only. Allele origin: germline. Affected: yes. Not counted in ClinVar's aggregate classification.

Literature cited by the submitters: PubMed 8162049 (cited by 3 submitters); PubMed 10737979 (cited by Labcorp Genetics (formerly Invitae), Labcorp and Athena Diagnostics); PubMed 14960772 (cited by Labcorp Genetics (formerly Invitae), Labcorp and Athena Diagnostics); PubMed 17646144 (cited by Labcorp Genetics (formerly Invitae), Labcorp); PubMed 25429913 (cited by Labcorp Genetics (formerly Invitae), Labcorp and Athena Diagnostics); PubMed 28448691 (cited by Labcorp Genetics (formerly Invitae), Labcorp); PubMed 9364054 (cited by 3 submitters); PubMed 9592087 (cited by Labcorp Genetics (formerly Invitae), Labcorp and Ambry Genetics); PubMed 10848620 (cited by 3 submitters); PubMed 15006706 (cited by 3 submitters); PubMed 29629536 (cited by Ambry Genetics); PubMed 10586261 (cited by Athena Diagnostics); PubMed 27549087 (cited by Athena Diagnostics); PubMed 21692908 (cited by Athena Diagnostics); PubMed 17353473 (cited by Athena Diagnostics); PubMed 16912585 (cited by Athena Diagnostics and Inherited Neuropathy Consortium); PubMed 21291455 (cited by Athena Diagnostics); PubMed 26454100 (cited by Athena Diagnostics); PubMed 10646523 (cited by Athena Diagnostics); PubMed 10586291 (cited by Athena Diagnostics); PubMed 10234007 (cited by Athena Diagnostics).